The following is an entry in ClinVar:

ClinVar aggregate classification (germline): Uncertain significance. Review status: criteria provided, single submitter (1 of 4 stars). 2 submissions from 2 submitters: Uncertain significance (1). 1 of the submissions does not count toward it. Last evaluated 2021-11-20.

Conditions:
Duchenne muscular dystrophy (DMD). Also called: MUSCULAR DYSTROPHY, PSEUDOHYPERTROPHIC PROGRESSIVE, DUCHENNE TYPE; Duchenne Muscular Dystrophy (DMD). Identifiers: Orphanet 98896, MedGen C0013264, MONDO:0010679, OMIM 310200.
Dystrophin deficiency.
Becker muscular dystrophy (BMD). Also called: MUSCULAR DYSTROPHY, PSEUDOHYPERTROPHIC PROGRESSIVE, BECKER TYPE; Becker Muscular Dystrophy (BMD). Identifiers: Orphanet 98895, MedGen C0917713, MONDO:0010311, OMIM 300376.
Cardiomyopathy (CMYO). Also called: Cardiomyopathies. Identifiers: Orphanet 167848, MedGen C0878544, MONDO:0004994, HP:0001638. Inheritance: Various modes of inheritance.

Submissions (2):

Labcorp Genetics (formerly Invitae), Labcorp
Classification: Uncertain significance for Duchenne muscular dystrophy. Last evaluated: 2021-11-20. Review status: criteria provided, single submitter. Criteria: Invitae Variant Classification Sherloc (09022015). Collection method: clinical testing. Allele origin: germline.
Comment: This sequence change replaces serine, which is neutral and polar, with proline, which is neutral and non-polar, at codon 1273 of the DMD protein (p.Ser1273Pro). This variant is not present in population databases (gnomAD no frequency). This variant has not been reported in the literature in individuals affected with DMD-related conditions. ClinVar contains an entry for this variant (Variation ID: 971821). Algorithms developed to predict the effect of missense changes on protein structure and function are either unavailable or do not agree on the potential impact of this missense change (SIFT: "Tolerated"; PolyPhen-2: "Possibly Damaging"; Align-GVGD: "Class C0"). In summary, the available evidence is currently insufficient to determine the role of this variant in disease. Therefore, it has been classified as a Variant of Uncertain Significance.

Natera, Inc.
Classification: Uncertain significance for Becker muscular dystrophy; Cardiomyopathy; Duchenne muscular dystrophy; Dystrophin deficiency. Last evaluated: 2020-07-24. Review status: no assertion criteria provided. Collection method: clinical testing. Allele origin: germline. Not counted in ClinVar's aggregate classification.

NM_004006.3(DMD):c.3817T>C (p.Ser1273Pro)

Gene: DMD (dystrophin; minus strand). Cytogenetic location: Xp21.1.
Variant type: single nucleotide variant.
Coding change: c.3817T>C on transcript NM_004006.3 (MANE Select); coding-DNA position 3817, T replaced by C.
Protein change: p.Ser1273Pro; replaces serine 1273 with proline.
Molecular consequence: missense variant.
Genome position (GRCh38, 1-based): chrX:32,441,284, A>G on the plus strand (T>C on the coding strand, the complement: DMD is on the minus strand). VCF-style: chrX-32441284-A-G. GRCh37 (hg19) VCF-style: chrX-32459401-A-G.
Other names: c.3793T>C, p.Ser1265Pro (NM_000109.4); c.3805T>C, p.Ser1269Pro (NM_004009.3); c.3448T>C, p.Ser1150Pro (NM_004010.3); short protein forms S1269P, S1265P, S1150P, S1273P.
Identifiers: ClinVar variation 971821 (VCV000971821.6), dbSNP rs2098280582, ClinGen allele CA412670538.